The following is an entry in ClinVar:

NM_005633.4(SOS1):c.*1309A>G

Gene: SOS1 (SOS Ras/Rac guanine nucleotide exchange factor 1; minus strand). Cytogenetic location: 2p22.1.
Variant type: single nucleotide variant.
Coding change: c.*1309A>G on transcript NM_005633.4 (MANE Select); 1309 bases downstream of the stop codon, A replaced by G.
Molecular consequence: 3 prime UTR variant.
Genome position (GRCh38, 1-based): chr2:38,984,515, T>C on the plus strand (A>G on the coding strand, the complement: SOS1 is on the minus strand). VCF-style: chr2-38984515-T-C. GRCh37 (hg19) VCF-style: chr2-39211656-T-C.
Other names: c.*1309A>G (NM_001382394.1, NM_001382395.1).
Identifiers: ClinVar variation 335997 (VCV000335997.36), dbSNP rs145273962, ClinGen allele CA10613329.

ClinVar aggregate classification (germline): Conflicting classifications of pathogenicity. Review status: criteria provided, conflicting classifications (1 of 4 stars). 3 submissions from 2 submitters: Uncertain significance (1); Benign (1); Likely benign (1). Last evaluated 2023-06-01.

Conditions:
Noonan syndrome 4 (NS4). Also called: SOS1-Related Noonan Syndrome; NOONAN SYNDROME WITH PIGMENTED VILLONODULAR SYNOVITIS. Identifiers: Orphanet 648, MedGen C1853120, MONDO:0012547, OMIM 610733.
Fibromatosis, gingival, 1 (GINGF1). Identifiers: Orphanet 2024, MedGen C4551558, MONDO:0007609, OMIM 135300.

Allele frequency attached by ClinVar (database versions not stated): 1000 Genomes Project 0.00300; 1000 Genomes Project 30x 0.00312; gnomAD 0.00319 and 0.00322; TOPMed 0.00339.

Submissions (3):

CeGaT Center for Human Genetics Tuebingen
Classification: Likely benign. Last evaluated: 2023-06-01. Review status: criteria provided, single submitter. Criteria: CeGaT Center For Human Genetics Tuebingen Variant Classification Criteria Version 2. Collection method: clinical testing. Allele origin: germline. Affected: yes. Observed: 14 variant alleles.
Comment: SOS1: BS1

Illumina Laboratory Services, Illumina
Classification: Uncertain significance for Noonan syndrome 4. Last evaluated: 2018-01-13. Review status: criteria provided, single submitter. Criteria: ICSL Variant Classification Criteria 13 December 2019. Collection method: clinical testing. Allele origin: germline.

Illumina Laboratory Services, Illumina
Classification: Benign for Fibromatosis, gingival, 1. Last evaluated: 2018-01-13. Review status: criteria provided, single submitter. Criteria: ICSL Variant Classification Criteria 13 December 2019. Collection method: clinical testing. Allele origin: germline.
Comment: This variant was observed in the ICSL laboratory as part of a predisposition screen in an ostensibly healthy population. It had not been previously curated by ICSL or reported in the Human Gene Mutation Database (HGMD: prior to June 1st, 2018), and was therefore a candidate for classification through an automated scoring system. Utilizing variant allele frequency, disease prevalence and penetrance estimates, and inheritance mode, an automated score was calculated to assess if this variant is too frequent to cause the disease. Based on the score and internal cut-off values, a variant classified as benign is not then subjected to further curation. The score for this variant resulted in a classification of benign for this disease.